The following is an entry in ClinVar:

ClinVar aggregate classification (germline): Pathogenic/Likely pathogenic. Review status: criteria provided, multiple submitters, no conflicts (2 of 4 stars). 5 submissions from 5 submitters: Pathogenic (1); Likely pathogenic (3). 1 of the submissions does not count toward it. Last evaluated 2026-01-15.

Conditions:
CFTR-related disorder (CFTR-RD). Also called: CFTR-related condition; CFTR-related disorders. Identifiers: MedGen C5924204, MONDO:7770004.
Cystic fibrosis (CF). Also called: MUCOVISCIDOSIS. Identifiers: Orphanet 586, MedGen C0010674, MONDO:0009061, OMIM 219700. Disease mechanism: loss of function.
Bronchiectasis with or without elevated sweat chloride 1 (BESC1). Also called: Cystic Fibrosis-Like Syndrome. Identifiers: Orphanet 60033, MedGen C2749757, MONDO:0008887, OMIM 211400.

Allele frequency attached by ClinVar (database versions not stated): gnomAD below 0.00001 and 0.00001; ExAC 0.00002; gnomAD exomes 0.00001.
gnomAD v4.1: 20 of 1,613,994 alleles (0.0012%); highest among the groups gnomAD compares: South Asian, 0.022%; 1 homozygote.

Submissions (5):

Natera, Inc.
Classification: Likely pathogenic for CFTR-related disorders. Last evaluated: 2026-01-15. Review status: criteria provided, single submitter. Criteria: Natera Variant Classification Schema (03/2026). Collection method: clinical testing. Allele origin: germline.
Comment: The c.709C>G variant in CFTR is a missense variant predicted to cause substitution of glutamine to glutamic acid at amino acid 237. This variant is rare in the general population with a frequency below the threshold expected for the associated phenotype(s). This variant has been observed in one or more individuals affected with the associated recessive disease, as either homozygous or compound heterozygous with a second variant (PMID: 15463882, 32747394). Functional studies show that this variant may disrupt protein function (PMID: 38388235). Computational prediction algorithms indicate this variant is likely to affect gene or protein function. Given the available evidence, this variant is classified as Likely Pathogenic.

Women's Health and Genetics/Laboratory Corporation of America, LabCorp
Classification: Likely pathogenic for Cystic fibrosis. Last evaluated: 2025-06-17. Review status: criteria provided, single submitter. Criteria: LabCorp Variant Classification Summary - May 2015. Collection method: clinical testing. Allele origin: germline.
Comment: Variant summary: CFTR c.709C>G (p.Gln237Glu) results in a conservative amino acid change located in the transmembrane domain (IPR011527) of the encoded protein sequence. Algorithms developed to predict the effect of missense changes on protein structure and function are either unavailable or do not agree on the potential impact of this missense change. The variant allele was found at a frequency of 1.2e-05 in 251392 control chromosomes. c.709C>G has been observed in the literature and in multiple databases in individuals affected with Cystic Fibrosis, including several examples where it was found in the compound heterozygous state together with a pathogenic variant (e.g. Claustres_2000, Hubert_2004, Giardet_2007, Gaitch_2016, DeWachter_2017, Ramalho_2021, Vaidyanathan_2022, Varkki_2024); however, in two of these cases, the individual either was asymptomatic or had a mild phenotype/late disease onset (e.g. Ramhalo_2021, Mekki_2021), suggesting this variant may have varying clinical consequences. These data indicate that the variant is likely to be associated with disease. At least one publication reports experimental evidence evaluating an impact on protein function (e.g. Ramalho_2021, Bihler_2024). The most pronounced variant effect resulted in approximately 16% of normal chloride channel conductance relative to wild type (Bihler_2024). The following publications have been ascertained in the context of this evaluation (PMID: 10923036, 28830496, 27086061, 17850636, 15463882, 33946859, 32747394, 35857025, 38388235, 38966678). ClinVar contains an entry for this variant (Variation ID: 54042). Based on the evidence outlined above, the variant was classified as likely pathogenic.

Baylor Genetics
Classification: Likely pathogenic for Bronchiectasis with or without elevated sweat chloride 1. Last evaluated: 2024-03-12. Review status: criteria provided, single submitter. Criteria: ACMG Guidelines, 2015. Collection method: clinical testing. Allele origin: unknown.

CFTR-France
Classification: Pathogenic for cystic fibrosis; CFTR-related disorders. Last evaluated: 2020-09-02. Review status: criteria provided, single submitter. Criteria: Claustres M et al. (Hum Mutat 2017). Collection method: curation. Allele origin: germline. Affected: yes.
Comment: when the variant is in trans with another CF-causing variation, can either result in CF or in a CFTR-RD

ClinVar Staff, National Center for Biotechnology Information (NCBI)
No classification provided. Condition: CFTR-related disorders. Review status: no classification provided. Collection method: literature only. Allele origin: germline. Affected: yes. Not counted in ClinVar's aggregate classification.

Literature cited by the submitters: PubMed 15463882 (cited by 3 submitters); PubMed 32747394 (cited by Natera, Inc. and Women's Health and Genetics/Laboratory Corporation of America, LabCorp); PubMed 38388235 (cited by Natera, Inc. and Women's Health and Genetics/Laboratory Corporation of America, LabCorp); PubMed 10923036 (cited by Women's Health and Genetics/Laboratory Corporation of America, LabCorp); PubMed 17850636 (cited by Women's Health and Genetics/Laboratory Corporation of America, LabCorp); PubMed 28830496 (cited by Women's Health and Genetics/Laboratory Corporation of America, LabCorp); PubMed 27086061 (cited by Women's Health and Genetics/Laboratory Corporation of America, LabCorp); PubMed 33946859 (cited by Women's Health and Genetics/Laboratory Corporation of America, LabCorp); PubMed 35857025 (cited by Women's Health and Genetics/Laboratory Corporation of America, LabCorp); PubMed 38966678 (cited by Women's Health and Genetics/Laboratory Corporation of America, LabCorp).

NM_000492.4(CFTR):c.709C>G (p.Gln237Glu)

Gene: CFTR (CF transmembrane conductance regulator; plus strand). Cytogenetic location: 7q31.2.
Variant type: single nucleotide variant.
Coding change: c.709C>G on transcript NM_000492.4 (MANE Select); coding-DNA position 709, C replaced by G.
Protein change: p.Gln237Glu; replaces glutamine 237 with glutamic acid.
Molecular consequence: missense variant.
Genome position (GRCh38, 1-based): chr7:117,535,377, C>G. VCF-style: chr7-117535377-C-G. GRCh37 (hg19) VCF-style: chr7-117175431-C-G.
Other names: short protein forms Q237E.
Identifiers: ClinVar variation 54042 (VCV000054042.7), dbSNP rs397508784, ClinGen allele CA327627.
Genomic context (GRCh38, chr7:117,535,377, plus strand): 5'-GAGTTGTTACAGGCGTCTGCCTTCTGTGGACTTGGTTTCCTGATAGTCCTTGCCCTTTTT[C>G]AGGCTGGGCTAGGGAGAATGATGATGAAGTACAGGTAGCAACCTATTTTCATAACTTGAA-3'
Protein context (NP_000483.3, residues 227-247): LGFLIVLALF[Gln237Glu]AGLGRMMMKY